The following is an entry in ClinVar:

ClinVar aggregate classification (germline): Likely benign (1 of 4 stars; one submission).

Allele frequency attached by ClinVar (database versions not stated): 1000 Genomes Project 30x 0.00109; 1000 Genomes Project 0.00140; TOPMed 0.00378; ExAC 0.00389; gnomAD 0.00397; ESP Exome Variant Server 0.00415.
gnomAD v4.1: 9,078 of 1,613,994 alleles (0.56%); highest among the groups gnomAD compares: Non-Finnish European, 0.67%; 37 homozygotes.

Submission:

CeGaT Center for Human Genetics Tuebingen
Classification: Likely benign. Last evaluated: 2023-03-01. Review status: criteria provided, single submitter. Criteria: CeGaT Center For Human Genetics Tuebingen Variant Classification Criteria Version 2. Collection method: clinical testing. Allele origin: germline. Affected: yes. Observed: 1 variant allele.
Comment: IGFBP6: BS2

NM_002178.3(IGFBP6):c.480+4C>T

Gene: IGFBP6 (insulin like growth factor binding protein 6; plus strand). Cytogenetic location: 12q13.13.
Variant type: single nucleotide variant.
Coding change: c.480+4C>T on transcript NM_002178.3 (MANE Select); 4 bases into the intron after coding-DNA position 480, C replaced by T.
Molecular consequence: intron variant.
Genome position (GRCh38, 1-based): chr12:53,100,861, C>T. VCF-style: chr12-53100861-C-T. GRCh37 (hg19) VCF-style: chr12-53494645-C-T.
Identifiers: ClinVar variation 2643043 (VCV002643043.24), dbSNP rs41485645, ClinGen allele CA6593654.
Genomic context (GRCh38, chr12:53,100,861, plus strand): 5'-GGCACCTCTACCACGCCCTCCCAGCCCAATTCTGCGGGTGTCCAAGACACTGAGATGGTG[C>T]GTTTGGAGCTGGTAGGGAGCAGGAGGGGTGGGAAGCCCTGGAGACTTCCATCTGAGACTG-3'